The following is an entry in ClinVar:

ClinVar aggregate classification (germline): Pathogenic. Review status: criteria provided, multiple submitters, no conflicts (2 of 4 stars). 2 submissions from 2 submitters: Pathogenic (2). Last evaluated 2025-06-24.

Conditions:
Hereditary cancer-predisposing syndrome. Also called: Neoplastic Syndromes, Hereditary; Tumor predisposition; Hereditary Cancer Syndrome; Hereditary neoplastic syndrome. Identifiers: Orphanet 140162, MedGen C0027672, MeSH D009386, MONDO:0015356.
BAP1-related tumor predisposition syndrome (TPDS1). Also called: BAP1 tumor predisposition syndrome; Tumor susceptibility linked to germline BAP1 mutations; TUMOR PREDISPOSITION SYNDROME 1; COMMON Syndrome. Identifiers: Orphanet 289539, MedGen C3280492, MONDO:0013692, OMIM 614327.

Submissions (2):

Ambry Genetics
Classification: Pathogenic for Hereditary cancer-predisposing syndrome. Last evaluated: 2025-06-24. Review status: criteria provided, single submitter. Criteria: Ambry Variant Classification Scheme 2023. Collection method: clinical testing. Allele origin: germline.
Comment: The c.644delG pathogenic mutation, located in coding exon 8 of the BAP1 gene, results from a deletion of one nucleotide at nucleotide position 644, causing a translational frameshift with a predicted alternate stop codon (p.G215Afs*16). This variant is considered to be rare based on population cohorts in the Genome Aggregation Database (gnomAD). This alteration is expected to result in loss of function by premature protein truncation or nonsense-mediated mRNA decay. As such, this alteration is interpreted as a disease-causing mutation.

Labcorp Genetics (formerly Invitae), Labcorp
Classification: Pathogenic for BAP1-related tumor predisposition syndrome. Last evaluated: 2016-09-04. Review status: criteria provided, single submitter. Criteria: Invitae Variant Classification Sherloc (09022015). Collection method: clinical testing. Allele origin: germline.
Comment: For these reasons, this variant has been classified as Pathogenic. While this particular variant has not been reported in the literature, loss-of-function variants in BAP1 are known to be pathogenic (PMID: 23684012, 21874000). This sequence change deletes 1 nucleotide in exon 8 of the BAP1 mRNA (c.644delG), causing a frameshift at codon 215. This creates a premature translational stop signal (p.Gly215Alafs*16) and is expected to result in an absent or disrupted protein product.

Literature cited by the submitters: PubMed 23684012 (cited by Labcorp Genetics (formerly Invitae), Labcorp); PubMed 21874000 (cited by Labcorp Genetics (formerly Invitae), Labcorp).

NM_004656.4(BAP1):c.644del (p.Gly215fs)

Gene: BAP1 (BRCA1 associated deubiquitinase 1; minus strand). Cytogenetic location: 3p21.1.
Variant type: Deletion.
Coding change: c.644del on transcript NM_004656.4 (MANE Select); coding-DNA position 644, one base deleted (G; older notation c.644delG).
Protein change: p.Gly215fs; shifts the reading frame from glycine 215.
Molecular consequence: frameshift variant.
Genome position (GRCh38, 1-based): chr3:52,406,844, C deleted on the plus strand (G on the coding strand, the reverse complement: BAP1 is on the minus strand); the first of 2 consecutive C bases (chr3:52,406,844-52,406,845); deleting either gives the same sequence. VCF-style (leftmost placement, unchanged base first): chr3-52406843-GC-G. GRCh37 (hg19) VCF-style: chr3-52440859-GC-G.
Other names: short protein forms G215fs.
Identifiers: ClinVar variation 412400 (VCV000412400.8), dbSNP rs1060503727, ClinGen allele CA16611441.